The following is an entry in ClinVar:

ClinVar aggregate classification (germline): Uncertain significance (1 of 4 stars; one submission).

Allele frequency attached by ClinVar (database versions not stated): TOPMed below 0.00001.

Submission:

Labcorp Genetics (formerly Invitae), Labcorp
Classification: Uncertain significance. Last evaluated: 2023-10-03. Review status: criteria provided, single submitter. Criteria: Invitae Variant Classification Sherloc (09022015). Collection method: clinical testing. Allele origin: germline.
Comment: This sequence change falls in intron 78 of the ADGRV1 gene. It does not directly change the encoded amino acid sequence of the ADGRV1 protein. This variant is not present in population databases (gnomAD no frequency). This variant has not been reported in the literature in individuals affected with ADGRV1-related conditions. ClinVar contains an entry for this variant (Variation ID: 1002740). Algorithms developed to predict the effect of sequence changes on RNA splicing suggest that this variant may disrupt the consensus splice site. In summary, the available evidence is currently insufficient to determine the role of this variant in disease. Therefore, it has been classified as a Variant of Uncertain Significance.

NM_032119.4(ADGRV1):c.17020-6T>A

Gene: ADGRV1 (adhesion G protein-coupled receptor V1; plus strand). Cytogenetic location: 5q14.3.
Variant type: single nucleotide variant.
Coding change: c.17020-6T>A on transcript NM_032119.4 (MANE Select); 6 bases into the intron before coding-DNA position 17020, T replaced by A.
Molecular consequence: intron variant.
Genome position (GRCh38, 1-based): chr5:90,848,631, T>A. VCF-style: chr5-90848631-T-A. GRCh37 (hg19) VCF-style: chr5-90144448-T-A.
Identifiers: ClinVar variation 1002740 (VCV001002740.8), dbSNP rs1766154264, ClinGen allele CA1562929725.